The following is an entry in ClinVar:

ClinVar aggregate classification (germline): Uncertain significance (1 of 4 stars; one submission).

Allele frequency attached by ClinVar (database versions not stated): gnomAD exomes below 0.00001; gnomAD 0.00001; TOPMed 0.00001.

Submission:

Labcorp Genetics (formerly Invitae), Labcorp
Classification: Uncertain significance. Last evaluated: 2022-03-22. Review status: criteria provided, single submitter. Criteria: Invitae Variant Classification Sherloc (09022015). Collection method: clinical testing. Allele origin: germline.
Comment: This sequence change replaces lysine, which is basic and polar, with arginine, which is basic and polar, at codon 188 of the OTOF protein (p.Lys188Arg). This variant is not present in population databases (gnomAD no frequency). This variant has not been reported in the literature in individuals affected with OTOF-related conditions. Algorithms developed to predict the effect of missense changes on protein structure and function are either unavailable or do not agree on the potential impact of this missense change (SIFT: "Deleterious"; PolyPhen-2: "Benign"; Align-GVGD: "Class C0"). Algorithms developed to predict the effect of sequence changes on RNA splicing suggest that this variant may create or strengthen a splice site. In summary, the available evidence is currently insufficient to determine the role of this variant in disease. Therefore, it has been classified as a Variant of Uncertain Significance.

NM_194248.3(OTOF):c.563A>G (p.Lys188Arg)

Genes: OTOF (otoferlin; minus strand), LOC129933336 (ATAC-STARR-seq lymphoblastoid silent region 11274; plus strand). Cytogenetic location: 2p23.3.
Variant type: single nucleotide variant.
Coding change: c.563A>G on transcript NM_194248.3 (MANE Select); coding-DNA position 563, A replaced by G.
Protein change: p.Lys188Arg; replaces lysine 188 with arginine.
Molecular consequence: missense variant.
Genome position (GRCh38, 1-based): chr2:26,503,792, T>C on the plus strand (A>G on the coding strand, the complement: OTOF is on the minus strand). VCF-style: chr2-26503792-T-C. GRCh37 (hg19) VCF-style: chr2-26726660-T-C.
Other names: c.563A>G, p.Lys188Arg (NM_001287489.2); short protein forms K188R.
Identifiers: ClinVar variation 1502287 (VCV001502287.3), dbSNP rs962885157, ClinGen allele CA44422527.